The following is an entry in ClinVar:

ClinVar aggregate classification (germline): Uncertain significance. Review status: criteria provided, multiple submitters, no conflicts (2 of 4 stars). 2 submissions from 2 submitters: Uncertain significance (2). Last evaluated 2026-03-27.

Conditions:
Hereditary cancer-predisposing syndrome. Also called: Neoplastic Syndromes, Hereditary; Tumor predisposition; Hereditary neoplastic syndrome; Hereditary Cancer Syndrome. Identifiers: Orphanet 140162, MedGen C0027672, MeSH D009386, MONDO:0015356.

Submissions (2):

Dasa
Classification: Uncertain significance. Last evaluated: 2026-03-27. Review status: criteria provided, single submitter. Criteria: DASA Assertion Criteria. Collection method: clinical testing. Allele origin: germline.
Comment: NM_002691.4(POLD1):c.2820+1G>A affects a canonical splice site and is predicted to disrupt normal RNA splicing. This variant is rare in population databases. The currently available literature and clinical evidence are not sufficient to establish a definitive association between this variant and the reported condition. Therefore, this variant is classified as a variant of uncertain significance.

Ambry Genetics
Classification: Uncertain significance for Hereditary cancer-predisposing syndrome. Last evaluated: 2026-02-17. Review status: criteria provided, single submitter. Criteria: Ambry Variant Classification Scheme 2023. Collection method: clinical testing. Allele origin: germline.
Comment: The c.2820+1G>A intronic variant results from a G to A substitution one nucleotide after coding exon 21 of the POLD1 gene. This nucleotide position is highly conserved in available vertebrate species. In silico splice site analysis predicts that this alteration will weaken the native splice donor site and may result in the creation or strengthening of a novel splice donor site. Variants that disrupt the canonical splice site are expected to cause aberrant splicing, resulting in an abnormal protein or a transcript that is subject to nonsense-mediated mRNA decay. However, loss of function has not been established as a mechanism of disease. Based on the available evidence, the clinical significance of this variant remains unclear.

NM_002691.4(POLD1):c.2820+1G>A

Gene: POLD1 (DNA polymerase delta 1, catalytic subunit; plus strand). Cytogenetic location: 19q13.33.
Variant type: single nucleotide variant.
Coding change: c.2820+1G>A on transcript NM_002691.4 (MANE Select); the canonical splice donor site of the intron after coding-DNA position 2820, G replaced by A.
Molecular consequence: splice donor variant.
Genome position (GRCh38, 1-based): chr19:50,415,827, G>A. VCF-style: chr19-50415827-G-A. GRCh37 (hg19) VCF-style: chr19-50919084-G-A.
Other names: c.2820+1G>A (NM_001256849.1, NM_001438212.1, NM_001438213.1); c.2748+1G>A (NM_001438210.1, NM_001438211.1); c.2898+1G>A (NM_001308632.1).
Identifiers: ClinVar variation 4844389 (VCV004844389.3).
Genomic context (GRCh38, chr19:50,415,827, plus strand): 5'-CGCGTCCCCTACGTGATCATCAGTGCCGCCAAGGGTGTGGCCGCCTACATGAAGTCGGAG[G>A]TCAGGCCCACCTGGCTGCCTGCTCCCGCCCAGCCCCCTCGCTCTCACTTCTGCTTTCCGA-3'